The following is an entry in ClinVar:

NC_000023.10:g.(?_32305626)_(33229429_?)del

Gene: DMD (dystrophin; minus strand). Cytogenetic location: Xp21.1.
Variant type: Deletion.
Identifiers: ClinVar variation 2424820 (VCV002424820.4).

ClinVar aggregate classification (germline): Pathogenic (1 of 4 stars; one submission).

Conditions:
Duchenne muscular dystrophy (DMD). Also called: Duchenne Muscular Dystrophy (DMD); MUSCULAR DYSTROPHY, PSEUDOHYPERTROPHIC PROGRESSIVE, DUCHENNE TYPE. Identifiers: Orphanet 98896, MedGen C0013264, MONDO:0010679, OMIM 310200.

Submission:

Labcorp Genetics (formerly Invitae), Labcorp
Classification: Pathogenic for Duchenne muscular dystrophy. Last evaluated: 2022-10-29. Review status: criteria provided, single submitter. Criteria: Invitae Variant Classification Sherloc (09022015). Collection method: clinical testing. Allele origin: germline.
Comment: This variant is a gross deletion of the genomic region encompassing exon(s) 1-43 of the DMD gene, which includes the initiator codon. This deletion extends beyond the assayed region for this gene and therefore may encompass additional genes. It is expected to result in an absent or disrupted protein product. Loss-of-function variants in DMD are known to be pathogenic (PMID: 16770791, 25007885). A similar copy number variant has been observed in individual(s) with Becker/Duchenne muscular dystrophy (PMID: 25972034). For these reasons, this variant has been classified as Pathogenic.

Literature cited by the submitters: PubMed 16770791; PubMed 25007885; PubMed 25972034.